The following is an entry in ClinVar:

NM_199420.4(POLQ):c.16C>G (p.Arg6Gly)

Genes: POLQ (DNA polymerase theta; minus strand), LOC112872292 (Sharpr-MPRA regulatory region 30; plus strand). Cytogenetic location: 3q13.33.
Variant type: single nucleotide variant.
Coding change: c.16C>G on transcript NM_199420.4 (MANE Select); coding-DNA position 16, C replaced by G.
Protein change: p.Arg6Gly; replaces arginine 6 with glycine.
Molecular consequence: missense variant.
Genome position (GRCh38, 1-based): chr3:121,545,862, G>C on the plus strand (C>G on the coding strand, the complement: POLQ is on the minus strand). VCF-style: chr3-121545862-G-C. GRCh37 (hg19) VCF-style: chr3-121264709-G-C.
Other names: short protein forms R6G.
Identifiers: ClinVar variation 3040643 (VCV003040643.2), dbSNP rs55943551, ClinGen allele CA2563932.

ClinVar aggregate classification (germline): Likely benign (0 of 4 stars; one submission).

Conditions:
POLQ-related disorder. Also called: POLQ-related condition.

Allele frequency attached by ClinVar (database versions not stated): ExAC 0.00070; 1000 Genomes Project 30x 0.00109; 1000 Genomes Project 0.00140; ESP Exome Variant Server 0.00008; gnomAD exomes 0.00017; gnomAD 0.00026; TOPMed 0.00035.
gnomAD v4.1: 299 of 1,613,912 alleles (0.019%); highest among the groups gnomAD compares: East Asian, 0.58%; no homozygotes.

Submission:

PreventionGenetics, part of Exact Sciences
Classification: Likely benign for POLQ-related condition. Last evaluated: 2019-10-01. Review status: no assertion criteria provided. Collection method: clinical testing. Allele origin: germline.
Comment: This variant is classified as likely benign based on ACMG/AMP sequence variant interpretation guidelines (Richards et al. 2015 PMID: 25741868, with internal and published modifications).